The following is an entry in ClinVar:

ClinVar aggregate classification (germline): Uncertain significance. Review status: criteria provided, multiple submitters, no conflicts (2 of 4 stars). 4 submissions from 4 submitters: Uncertain significance (4). Last evaluated 2025-07-31.

Conditions:
Bardet-Biedl syndrome 15 (BBS15). Identifiers: Orphanet 110, MedGen C3150127, MONDO:0014443, OMIM 615992.
Heart defect - tongue hamartoma - polysyndactyly syndrome. Also called: Congenital heart defects, hamartomas of tongue, and polysyndactyly. Identifiers: Orphanet 1338, MedGen C1857587, MONDO:0009008, OMIM 217085.
Inborn genetic diseases. Identifiers: MedGen C0950123, MeSH D030342.
Bardet-Biedl syndrome (BBS). Identifiers: Orphanet 110, MedGen C0752166, MONDO:0015229.
WDPCP-related disorder. Also called: WDPCP-related condition.

Allele frequency attached by ClinVar (database versions not stated): gnomAD 0.00001; gnomAD exomes 0.00001; ExAC 0.00002.
gnomAD v4.1: 15 of 1,611,426 alleles (0.00093%); highest among the groups gnomAD compares: African/African-American, 0.0013%; no homozygotes.

Submissions (4):

Labcorp Genetics (formerly Invitae), Labcorp
Classification: Uncertain significance for Bardet-Biedl syndrome. Last evaluated: 2025-07-31. Review status: criteria provided, single submitter. Criteria: Invitae Variant Classification Sherloc (09022015). Collection method: clinical testing. Allele origin: germline.
Comment: This sequence change replaces cysteine, which is neutral and slightly polar, with tyrosine, which is neutral and polar, at codon 716 of the WDPCP protein (p.Cys716Tyr). This variant is present in population databases (rs772286167, gnomAD 0.007%). This variant has not been reported in the literature in individuals affected with WDPCP-related conditions. ClinVar contains an entry for this variant (Variation ID: 1347281). An algorithm developed to predict the effect of missense changes on protein structure and function outputs the following: PolyPhen-2: "Benign". The tyrosine amino acid residue is found in multiple mammalian species, which suggests that this missense change does not adversely affect protein function. In summary, the available evidence is currently insufficient to determine the role of this variant in disease. Therefore, it has been classified as a Variant of Uncertain Significance.

PreventionGenetics, part of Exact Sciences
Classification: Uncertain significance for WDPCP-related condition. Last evaluated: 2024-12-11. Review status: criteria provided, single submitter. Criteria: ACMG Guidelines, 2015. Collection method: clinical testing. Allele origin: germline.
Comment: The WDPCP c.2147G>A variant is predicted to result in the amino acid substitution p.Cys716Tyr. To our knowledge, this variant has not been reported in the literature. This variant is reported in 0.0065% of alleles in individuals of African descent in gnomAD. At this time, the clinical significance of this variant is uncertain due to the absence of conclusive functional and genetic evidence.

Fulgent Genetics
Classification: Uncertain significance for Heart defect - tongue hamartoma - polysyndactyly syndrome; Bardet-Biedl syndrome 15. Last evaluated: 2024-02-19. Review status: criteria provided, single submitter. Criteria: ACMG Guidelines, 2015. Collection method: clinical testing. Allele origin: germline.

Ambry Genetics
Classification: Uncertain significance for Inborn genetic diseases. Last evaluated: 2022-04-07. Review status: criteria provided, single submitter. Criteria: Ambry Variant Classification Scheme 2023. Collection method: clinical testing. Allele origin: germline.

NM_015910.7(WDPCP):c.2147G>A (p.Cys716Tyr)

Gene: WDPCP (WD repeat containing planar cell polarity effector; minus strand). Cytogenetic location: 2p15.
Variant type: single nucleotide variant.
Coding change: c.2147G>A on transcript NM_015910.7 (MANE Select); coding-DNA position 2147, G replaced by A.
Protein change: p.Cys716Tyr; replaces cysteine 716 with tyrosine.
Molecular consequence: missense variant. On other transcripts: non-coding transcript variant (3).
Genome position (GRCh38, 1-based): chr2:63,153,506, C>T on the plus strand (G>A on the coding strand, the complement: WDPCP is on the minus strand). VCF-style: chr2-63153506-C-T. GRCh37 (hg19) VCF-style: chr2-63380641-C-T.
Other names: c.2147G>A (NM_015910.5); c.1670G>A, p.Cys557Tyr (NM_001042692.3); c.2075G>A, p.Cys692Tyr (NM_001354044.2); short protein forms C692Y, C557Y, C716Y.
Identifiers: ClinVar variation 1347281 (VCV001347281.10), dbSNP rs772286167, ClinGen allele CA1681992.